The following is an entry in ClinVar:

ClinVar aggregate classification (germline): Conflicting classifications of pathogenicity. Review status: criteria provided, conflicting classifications (1 of 4 stars). 5 submissions from 5 submitters: Uncertain significance (3); Benign (1); Likely benign (1). Last evaluated 2025-02-06.

Conditions:
Hereditary cancer-predisposing syndrome. Also called: Tumor predisposition; Neoplastic Syndromes, Hereditary; Hereditary Cancer Syndrome; Hereditary neoplastic syndrome. Identifiers: Orphanet 140162, MedGen C0027672, MeSH D009386, MONDO:0015356.
Isolated focal cortical dysplasia type II (FCORD2). Also called: CORTICAL DYSPLASIA OF TAYLOR; Focal cortical dysplasia type II. Identifiers: Orphanet 268994, MedGen C1846385, MONDO:0011818, OMIM 607341, HP:0032051.
Tuberous sclerosis 2 (TSC2). Identifiers: Orphanet 805, MedGen C1860707, MONDO:0013199, OMIM 613254.

Allele frequency attached by ClinVar (database versions not stated): gnomAD exomes below 0.00001 and 0.00001; TOPMed below 0.00001; gnomAD 0.00001; ExAC 0.00002; ESP Exome Variant Server 0.00008.
gnomAD v4.1: 2 of 1,612,844 alleles (0.00012%); highest among the groups gnomAD compares: African/African-American, 0.0027%; no homozygotes.

Submissions (5):

Ambry Genetics
Classification: Uncertain significance for Hereditary cancer-predisposing syndrome. Last evaluated: 2025-02-06. Review status: criteria provided, single submitter. Criteria: Ambry Variant Classification Scheme 2023. Collection method: clinical testing. Allele origin: germline.
Comment: The p.T1247A variant (also known as c.3739A>G), located in coding exon 30 of the TSC2 gene, results from an A to G substitution at nucleotide position 3739. The threonine at codon 1247 is replaced by alanine, an amino acid with similar properties. This amino acid position is highly conserved in available vertebrate species. In addition, the in silico prediction for this alteration is inconclusive. Based on the available evidence, the clinical significance of this variant remains unclear.

Women's Health and Genetics/Laboratory Corporation of America, LabCorp
Classification: Uncertain significance. Last evaluated: 2024-09-24. Review status: criteria provided, single submitter. Criteria: LabCorp Variant Classification Summary - May 2015. Collection method: clinical testing. Allele origin: germline.
Comment: Variant summary: TSC2 c.3739A>G (p.Thr1247Ala) results in a non-conservative amino acid change in the encoded protein sequence. Three of five in-silico tools predict a benign effect of the variant on protein function. The variant allele was found at a frequency of 8e-06 in 249854 control chromosomes. The available data on variant occurrences in the general population are insufficient to allow any conclusion about variant significance. To our knowledge, no occurrence of c.3739A>G in individuals affected with Tuberous Sclerosis Complex and no experimental evidence demonstrating its impact on protein function have been reported. ClinVar contains an entry for this variant (Variation ID: 406101). Based on the evidence outlined above, the variant was classified as uncertain significance.

Myriad Genetics, Inc.
Classification: Likely benign for Tuberous sclerosis 2. Last evaluated: 2024-08-16. Review status: criteria provided, single submitter. Criteria: Myriad Autosomal Dominant, Autosomal Recessive and X-Linked Classification Criteria (2023). Collection method: clinical testing. Allele origin: unknown.
Comment: This variant is considered likely benign. This variant has been observed at a population frequency that is significantly greater than expected given the associated disease prevalence and penetrance.

Labcorp Genetics (formerly Invitae), Labcorp
Classification: Benign for Tuberous sclerosis 2. Last evaluated: 2024-05-15. Review status: criteria provided, single submitter. Criteria: Invitae Variant Classification Sherloc (09022015). Collection method: clinical testing. Allele origin: germline.

Baylor Genetics
Classification: Uncertain significance for Isolated focal cortical dysplasia type II. Last evaluated: 2024-03-15. Review status: criteria provided, single submitter. Criteria: ACMG Guidelines, 2015. Collection method: clinical testing. Allele origin: unknown.

NM_000548.5(TSC2):c.3739A>G (p.Thr1247Ala)

Gene: TSC2 (TSC complex subunit 2; plus strand). Cytogenetic location: 16p13.3.
Variant type: single nucleotide variant.
Coding change: c.3739A>G on transcript NM_000548.5 (MANE Select); coding-DNA position 3739, A replaced by G.
Protein change: p.Thr1247Ala; replaces threonine 1247 with alanine.
Molecular consequence: missense variant.
Genome position (GRCh38, 1-based): chr16:2,081,723, A>G. VCF-style: chr16-2081723-A-G. GRCh37 (hg19) VCF-style: chr16-2131724-A-G.
Other names: c.3607A>G, p.Thr1203Ala (NM_001077183.3, NM_001370404.1); c.3739A>G, p.Thr1247Ala (NM_001114382.3); c.3499A>G, p.Thr1167Ala (NM_001318827.2); c.3463A>G, p.Thr1155Ala (NM_001318829.2); c.3007A>G, p.Thr1003Ala (NM_001318831.2); c.3640A>G, p.Thr1214Ala (NM_001318832.2); c.3610A>G, p.Thr1204Ala (NM_001363528.2, NM_001370405.1, NM_021055.3); short protein forms T1247A, T1214A, T1204A, T1203A, T1003A, T1155A, T1167A.
Identifiers: ClinVar variation 406101 (VCV000406101.14), dbSNP rs369961807, ClinGen allele CA048226.